The following is an entry in ClinVar:

NM_018136.5(ASPM):c.5083C>T (p.Arg1695Cys)

Gene: ASPM (assembly factor for spindle microtubules; minus strand). Cytogenetic location: 1q31.3.
Variant type: single nucleotide variant.
Coding change: c.5083C>T on transcript NM_018136.5 (MANE Select); coding-DNA position 5083, C replaced by T.
Protein change: p.Arg1695Cys; replaces arginine 1695 with cysteine.
Molecular consequence: missense variant. On other transcripts: intron variant (1).
Genome position (GRCh38, 1-based): chr1:197,104,168, G>A on the plus strand (C>T on the coding strand, the complement: ASPM is on the minus strand). VCF-style: chr1-197104168-G-A. GRCh37 (hg19) VCF-style: chr1-197073298-G-A.
Other names: c.4066-8004C>T (NM_001206846.2); short protein forms R1695C.
Identifiers: ClinVar variation 157828 (VCV000157828.21), dbSNP rs80238010, ClinGen allele CA171214.

ClinVar aggregate classification (germline): Benign. Review status: criteria provided, multiple submitters, no conflicts (2 of 4 stars). 7 submissions from 7 submitters: Benign (7). Last evaluated 2026-01-26.

Conditions:
Microcephaly 5, primary, autosomal recessive (MCPH5). Also called: ASPM Primary Microcephaly. Identifiers: Orphanet 2512, MedGen C1837501, MONDO:0012106, OMIM 608716.

Allele frequency attached by ClinVar (database versions not stated): gnomAD 0.02589 and 0.02796; TOPMed 0.02684; ESP Exome Variant Server 0.02931; 1000 Genomes Project 0.02995; 1000 Genomes Project 30x 0.03264.
gnomAD v4.1: 7,873 of 1,612,578 alleles (0.49%); highest among the groups gnomAD compares: African/African-American, 8.9%; 313 homozygotes.

Submissions (7):

Labcorp Genetics (formerly Invitae), Labcorp
Classification: Benign. Last evaluated: 2026-01-26. Review status: criteria provided, single submitter. Criteria: Invitae Variant Classification Sherloc (09022015). Collection method: clinical testing. Allele origin: germline.

Genome-Nilou Lab
Classification: Benign for Microcephaly 5, primary, autosomal recessive. Last evaluated: 2023-04-11. Review status: criteria provided, single submitter. Criteria: ACMG Guidelines, 2015. Collection method: clinical testing. Allele origin: germline. Affected: no.

Athena Diagnostics
Classification: Benign. Last evaluated: 2019-02-20. Review status: criteria provided, single submitter. Criteria: Athena Diagnostics Criteria. Collection method: clinical testing. Allele origin: germline.

Illumina Laboratory Services, Illumina
Classification: Benign for Microcephaly 5, primary, autosomal recessive. Last evaluated: 2018-01-12. Review status: criteria provided, single submitter. Criteria: ICSL Variant Classification Criteria 13 December 2019. Collection method: clinical testing. Allele origin: germline.
Comment: This variant was observed in the ICSL laboratory as part of a predisposition screen in an ostensibly healthy population. It had not been previously curated by ICSL or reported in the Human Gene Mutation Database (HGMD: prior to June 1st, 2018), and was therefore a candidate for classification through an automated scoring system. Utilizing variant allele frequency, disease prevalence and penetrance estimates, and inheritance mode, an automated score was calculated to assess if this variant is too frequent to cause the disease. Based on the score and internal cut-off values, a variant classified as benign is not then subjected to further curation. The score for this variant resulted in a classification of benign for this disease.

GeneDx
Classification: Benign. Last evaluated: 2015-09-18. Review status: criteria provided, single submitter. Criteria: GeneDx Variant Classification (06012015). Collection method: clinical testing. Allele origin: germline. Affected: yes.
Comment: This variant is considered likely benign or benign based on one or more of the following criteria: it is a conservative change, it occurs at a poorly conserved position in the protein, it is predicted to be benign by multiple in silico algorithms, and/or has population frequency not consistent with disease.

Genetic Services Laboratory, University of Chicago
Classification: Benign. Last evaluated: 2013-02-08. Review status: criteria provided, single submitter. Criteria: ACMG Guidelines, 2007. Collection method: clinical testing. Allele origin: germline. Inheritance: Autosomal recessive inheritance.

Breakthrough Genomics
Classification: Benign. Review status: criteria provided, single submitter. Criteria: ACMG Guidelines, 2015. Collection method: not provided. Allele origin: germline. Inheritance: Autosomal recessive inheritance. Affected: yes.